The following is an entry in ClinVar:

ClinVar aggregate classification (germline): Pathogenic (1 of 4 stars; one submission).

Conditions:
Primary ciliary dyskinesia. Also called: Ciliary dyskinesia. Identifiers: Orphanet 244, MedGen C0008780, MONDO:0016575, HP:0012265.

Allele frequency attached by ClinVar (database versions not stated): gnomAD exomes below 0.00001.
gnomAD v4.1: 2 of 1,614,114 alleles (0.00012%); highest among the groups gnomAD compares: Non-Finnish European, 0.00017%; no homozygotes.

Submission:

Labcorp Genetics (formerly Invitae), Labcorp
Classification: Pathogenic for Primary ciliary dyskinesia. Last evaluated: 2024-01-21. Review status: criteria provided, single submitter. Criteria: Invitae Variant Classification Sherloc (09022015). Collection method: clinical testing. Allele origin: germline.
Comment: This sequence change creates a premature translational stop signal (p.Glu65*) in the DNAI1 gene. It is expected to result in an absent or disrupted protein product. Loss-of-function variants in DNAI1 are known to be pathogenic (PMID: 16858015, 29363216). This variant is not present in population databases (gnomAD no frequency). This variant has not been reported in the literature in individuals affected with DNAI1-related conditions. For these reasons, this variant has been classified as Pathogenic.

Literature cited by the submitters: PubMed 16858015; PubMed 29363216.

NM_012144.4(DNAI1):c.193G>T (p.Glu65Ter)

Gene: DNAI1 (dynein axonemal intermediate chain 1; plus strand). Cytogenetic location: 9p13.3.
Variant type: single nucleotide variant.
Coding change: c.193G>T on transcript NM_012144.4 (MANE Select); coding-DNA position 193, G replaced by T.
Protein change: p.Glu65Ter; replaces glutamic acid 65 with a stop codon.
Molecular consequence: nonsense.
Genome position (GRCh38, 1-based): chr9:34,485,449, G>T. VCF-style: chr9-34485449-G-T. GRCh37 (hg19) VCF-style: chr9-34485447-G-T.
Other names: c.193G>T, p.Glu65Ter (NM_001281428.2); short protein forms E65*.
Identifiers: ClinVar variation 2883709 (VCV002883709.4), dbSNP rs1023413642, ClinGen allele CA192626861.
Genomic context (GRCh38, chr9:34,485,449, plus strand): 5'-GGTTGGGGGGTCTTCATGTATGACCCTCTTGGTATTTTTCTCCCTCAGGAGTTAAAGGAG[G>T]AGTTCACTCGGATTTTGACAGCCAACAACCCACACGCACCCCAGAACATTGTCAGGTACA-3'